The following is an entry in ClinVar:

NM_018979.4(WNK1):c.6967C>G (p.Pro2323Ala)

Gene: WNK1 (WNK lysine deficient protein kinase 1; plus strand). Cytogenetic location: 12p13.33.
Variant type: single nucleotide variant.
Coding change: c.6967C>G on transcript NM_018979.4 (MANE Select); coding-DNA position 6967, C replaced by G.
Protein change: p.Pro2323Ala; replaces proline 2323 with alanine.
Molecular consequence: missense variant.
Genome position (GRCh38, 1-based): chr12:908,610, C>G. VCF-style: chr12-908610-C-G. GRCh37 (hg19) VCF-style: chr12-1017776-C-G.
Other names: c.7747C>G, p.Pro2583Ala (NM_001184985.2); c.6223C>G, p.Pro2075Ala (NM_014823.3); c.7723C>G, p.Pro2575Ala (NM_213655.5); short protein forms P2575A, P2583A, P2075A, P2323A.
Identifiers: ClinVar variation 1477596 (VCV001477596.6), dbSNP rs1420629830, ClinGen allele CA383341027.
Genomic context (GRCh38, chr12:908,610, plus strand): 5'-GCCCCCATCTCTGCAGCATCAGCTACCTCTCTAGGTCACTTCACCAAGTCTATGTGCCCC[C>G]CACAGCAGTATGGCTTTCCAGCTACCCCATTTGGCGCTCAATGGAGTGGGACGGGTGGCC-3'
Protein context (NP_061852.3, residues 2313-2333): LGHFTKSMCP[Pro2323Ala]QQYGFPATPF

ClinVar aggregate classification (germline): Uncertain significance (1 of 4 stars; one submission).

Conditions:
Neuropathy, hereditary sensory and autonomic, type 2A (HSAN2A). Also called: ACROOSTEOLYSIS, GIACCAI TYPE; ACROOSTEOLYSIS, NEUROGENIC; MORVAN DISEASE; NEUROPATHY, CONGENITAL SENSORY; NEUROPATHY, HEREDITARY SENSORY RADICULAR, AUTOSOMAL RECESSIVE; NEUROPATHY, HEREDITARY SENSORY, TYPE IIA. Identifiers: Orphanet 970, MedGen C2752089, MONDO:0024309, OMIM 201300.
Pseudohypoaldosteronism type 2C (PHA2C). Also called: Pseudohypoaldosteronism Type IIC. Identifiers: Orphanet 757, Orphanet 88940, MedGen C1840391, MONDO:0013778, OMIM 614492.

gnomAD v4.1: 1 of 1,614,188 alleles (0.000062%); highest among the groups gnomAD compares: Non-Finnish European, 0.000085%; no homozygotes.

Submission:

Labcorp Genetics (formerly Invitae), Labcorp
Classification: Uncertain significance for Neuropathy, hereditary sensory and autonomic, type 2A; Pseudohypoaldosteronism type 2C. Last evaluated: 2021-09-25. Review status: criteria provided, single submitter. Criteria: Invitae Variant Classification Sherloc (09022015). Collection method: clinical testing. Allele origin: germline.
Comment: This variant has not been reported in the literature in individuals affected with WNK1-related conditions. In summary, the available evidence is currently insufficient to determine the role of this variant in disease. Therefore, it has been classified as a Variant of Uncertain Significance. Advanced modeling of protein sequence and biophysical properties (such as structural, functional, and spatial information, amino acid conservation, physicochemical variation, residue mobility, and thermodynamic stability) performed at Invitae indicates that this missense variant is not expected to disrupt WNK1 protein function. This variant is not present in population databases (ExAC no frequency). This sequence change replaces proline with alanine at codon 2575 of the WNK1 protein (p.Pro2575Ala). The proline residue is highly conserved and there is a small physicochemical difference between proline and alanine.